The following is an entry in ClinVar:

NM_001384732.1(CPLANE1):c.494T>C (p.Ile165Thr)

Gene: CPLANE1 (ciliogenesis and planar polarity effector complex subunit 1; minus strand). Cytogenetic location: 5p13.2.
Variant type: single nucleotide variant.
Coding change: c.494T>C on transcript NM_001384732.1 (MANE Select); coding-DNA position 494, T replaced by C.
Protein change: p.Ile165Thr; replaces isoleucine 165 with threonine.
Molecular consequence: missense variant.
Genome position (GRCh38, 1-based): chr5:37,244,451, A>G on the plus strand (T>C on the coding strand, the complement: CPLANE1 is on the minus strand). VCF-style: chr5-37244451-A-G. GRCh37 (hg19) VCF-style: chr5-37244553-A-G.
Other names: c.494T>C, p.Ile165Thr (NM_023073.4); short protein forms I165T.
Identifiers: ClinVar variation 1367302 (VCV001367302.9), dbSNP rs968241708, ClinGen allele CA117068788.
Genomic context (GRCh38, chr5:37,244,451, plus strand): 5'-ACAGCATTCACTACAGCTTCTTTATCTTCGGTGGAAGGCAAGAGAACTGCTTCTTCAGGT[A>G]TGACCTGGGACCACCGACCCGCCAATGAAAGGCTTTTAGAAGATAAGATATTCTTTAATT-3'
Protein context (NP_001371661.1, residues 155-175): LSLAGRWSQV[Ile165Thr]PEEAVLLPST

ClinVar aggregate classification (germline): Uncertain significance (1 of 4 stars; one submission).

gnomAD v4.1: 5 of 1,551,544 alleles (0.00032%); highest among the groups gnomAD compares: African/African-American, 0.0055%; no homozygotes.

Submission:

Labcorp Genetics (formerly Invitae), Labcorp
Classification: Uncertain significance. Last evaluated: 2022-02-23. Review status: criteria provided, single submitter. Criteria: Invitae Variant Classification Sherloc (09022015). Collection method: clinical testing. Allele origin: germline.
Comment: In summary, the available evidence is currently insufficient to determine the role of this variant in disease. Therefore, it has been classified as a Variant of Uncertain Significance. Advanced modeling of protein sequence and biophysical properties (such as structural, functional, and spatial information, amino acid conservation, physicochemical variation, residue mobility, and thermodynamic stability) performed at Invitae indicates that this missense variant is not expected to disrupt CPLANE1 protein function. This variant has not been reported in the literature in individuals affected with CPLANE1-related conditions. This variant is present in population databases (no rsID available, gnomAD 0.01%). This sequence change replaces isoleucine, which is neutral and non-polar, with threonine, which is neutral and polar, at codon 165 of the CPLANE1 protein (p.Ile165Thr).